The following is an entry in ClinVar:

ClinVar aggregate classification (germline): Pathogenic (1 of 4 stars; one submission).

Conditions:
Familial cancer of breast. Also called: Hereditary breast cancer; BREAST CANCER, FAMILIAL; hereditary breast carcinoma. Identifiers: Orphanet 227535, MedGen C0346153, MONDO:0016419, OMIM 114480. Disease mechanism: loss of function.

Submission:

Myriad Genetics, Inc.
Classification: Pathogenic for Familial cancer of breast. Last evaluated: 2023-05-23. Review status: criteria provided, single submitter. Criteria: Myriad Autosomal Dominant, Autosomal Recessive and X-Linked Classification Criteria (2023). Collection method: clinical testing. Allele origin: unknown.
Comment: This variant is considered pathogenic. This variant creates a termination codon and is predicted to result in premature protein truncation.

NM_000465.4(BARD1):c.1531A>T (p.Lys511Ter)

Gene: BARD1 (BRCA1 associated RING domain 1; minus strand). Cytogenetic location: 2q35.
Variant type: single nucleotide variant.
Coding change: c.1531A>T on transcript NM_000465.4 (MANE Select); coding-DNA position 1531, A replaced by T.
Protein change: p.Lys511Ter; replaces lysine 511 with a stop codon.
Molecular consequence: nonsense. On other transcripts: non-coding transcript variant (3), intron variant (3).
Genome position (GRCh38, 1-based): chr2:214,767,519, T>A on the plus strand (A>T on the coding strand, the complement: BARD1 is on the minus strand). VCF-style: chr2-214767519-T-A. GRCh37 (hg19) VCF-style: chr2-215632243-T-A.
Other names: c.1474A>T, p.Lys492Ter (NM_001282543.2); c.159-14964A>T (NM_001282548.2); c.216-14964A>T (NM_001282545.2); c.364+24778A>T (NM_001282549.2); short protein forms K492*, K511*.
Identifiers: ClinVar variation 2583290 (VCV002583290.2), dbSNP rs2469442863, ClinGen allele CA350448218.